The following is an entry in ClinVar:

NM_001003841.3(SLC6A19):c.1432G>A (p.Gly478Ser)

Gene: SLC6A19 (solute carrier family 6 member 19; plus strand). Cytogenetic location: 5p15.33.
Variant type: single nucleotide variant.
Coding change: c.1432G>A on transcript NM_001003841.3 (MANE Select); coding-DNA position 1432, G replaced by A.
Protein change: p.Gly478Ser; replaces glycine 478 with serine.
Molecular consequence: missense variant.
Genome position (GRCh38, 1-based): chr5:1,219,558, G>A. VCF-style: chr5-1219558-G-A. GRCh37 (hg19) VCF-style: chr5-1219673-G-A.
Other names: short protein forms G478S.
Identifiers: ClinVar variation 1399331 (VCV001399331.6), dbSNP rs201635809, ClinGen allele CA3183168.

ClinVar aggregate classification (germline): Uncertain significance. Review status: criteria provided, multiple submitters, no conflicts (2 of 4 stars). 2 submissions from 2 submitters: Uncertain significance (2). Last evaluated 2024-03-04.

Conditions:
Neutral 1 amino acid transport defect (HND). Also called: Hartnup disease; HARTNUP DISORDER. Identifiers: Orphanet 2116, MedGen C0018609, MONDO:0009324, OMIM 234500.

Allele frequency attached by ClinVar (database versions not stated): gnomAD exomes 0.00004 and 0.00015; ExAC 0.00006; ESP Exome Variant Server 0.00008; gnomAD 0.00013 and 0.00014; TOPMed 0.00014.
gnomAD v4.1: 239 of 1,612,228 alleles (0.015%); highest among the groups gnomAD compares: Non-Finnish European, 0.019%; no homozygotes.

Submissions (2):

Fulgent Genetics
Classification: Uncertain significance for Neutral 1 amino acid transport defect. Last evaluated: 2024-03-04. Review status: criteria provided, single submitter. Criteria: ACMG Guidelines, 2015. Collection method: clinical testing. Allele origin: germline.

Labcorp Genetics (formerly Invitae), Labcorp
Classification: Uncertain significance. Last evaluated: 2022-08-09. Review status: criteria provided, single submitter. Criteria: Invitae Variant Classification Sherloc (09022015). Collection method: clinical testing. Allele origin: germline.
Comment: This sequence change replaces glycine, which is neutral and non-polar, with serine, which is neutral and polar, at codon 478 of the SLC6A19 protein (p.Gly478Ser). This variant is present in population databases (rs201635809, gnomAD 0.01%). This variant has not been reported in the literature in individuals affected with SLC6A19-related conditions. ClinVar contains an entry for this variant (Variation ID: 1399331). Advanced modeling of protein sequence and biophysical properties (such as structural, functional, and spatial information, amino acid conservation, physicochemical variation, residue mobility, and thermodynamic stability) performed at Invitae indicates that this missense variant is expected to disrupt SLC6A19 protein function. Algorithms developed to predict the effect of sequence changes on RNA splicing suggest that this variant may create or strengthen a splice site. In summary, the available evidence is currently insufficient to determine the role of this variant in disease. Therefore, it has been classified as a Variant of Uncertain Significance.